The following is an entry in ClinVar:

NM_017433.5(MYO3A):c.4407T>C (p.Asn1469=)

Gene: MYO3A (myosin IIIA; plus strand). Cytogenetic location: 10p12.1.
Variant type: single nucleotide variant.
Coding change: c.4407T>C on transcript NM_017433.5 (MANE Select); coding-DNA position 4407, T replaced by C.
Protein change: p.Asn1469=; no amino-acid change (asparagine 1469 retained).
Molecular consequence: synonymous variant.
Genome position (GRCh38, 1-based): chr10:26,176,814, T>C. VCF-style: chr10-26176814-T-C. GRCh37 (hg19) VCF-style: chr10-26465743-T-C.
Identifiers: ClinVar variation 299677 (VCV000299677.15), dbSNP rs199843655, ClinGen allele CA5445442.

ClinVar aggregate classification (germline): Conflicting classifications of pathogenicity. Review status: criteria provided, conflicting classifications (1 of 4 stars). 3 submissions from 3 submitters: Uncertain significance (1); Likely benign (2). Last evaluated 2025-07-23.

Conditions:
Autosomal recessive nonsyndromic hearing loss 30. Identifiers: Orphanet 90636, MedGen C1846784, MONDO:0011774, OMIM 607101.
MYO3A-related disorder. Also called: MYO3A-related condition.

Allele frequency attached by ClinVar (database versions not stated): gnomAD 0.00010; gnomAD exomes 0.00011; ExAC 0.00013; ESP Exome Variant Server 0.00015; TOPMed 0.00020.
gnomAD v4.1: 241 of 1,614,058 alleles (0.015%); highest among the groups gnomAD compares: Non-Finnish European, 0.018%; no homozygotes.

Submissions (3):

Labcorp Genetics (formerly Invitae), Labcorp
Classification: Likely benign. Last evaluated: 2025-07-23. Review status: criteria provided, single submitter. Criteria: Invitae Variant Classification Sherloc (09022015). Collection method: clinical testing. Allele origin: germline.

PreventionGenetics, part of Exact Sciences
Classification: Likely benign for MYO3A-related condition. Last evaluated: 2024-11-26. Review status: criteria provided, single submitter. Criteria: ACMG Guidelines, 2015. Collection method: clinical testing. Allele origin: germline.
Comment: This variant is classified as likely benign based on ACMG/AMP sequence variant interpretation guidelines (Richards et al. 2015 PMID: 25741868, with internal and published modifications).

Illumina Laboratory Services, Illumina
Classification: Uncertain significance for Autosomal recessive nonsyndromic hearing loss 30. Last evaluated: 2018-01-12. Review status: criteria provided, single submitter. Criteria: ICSL Variant Classification Criteria 13 December 2019. Collection method: clinical testing. Allele origin: germline.